The following is an entry in ClinVar:

NM_001042492.3(NF1):c.6170T>C (p.Ile2057Thr)

Gene: NF1 (neurofibromin 1; plus strand). Cytogenetic location: 17q11.2.
Variant type: single nucleotide variant.
Coding change: c.6170T>C on transcript NM_001042492.3 (MANE Select); coding-DNA position 6170, T replaced by C.
Protein change: p.Ile2057Thr; replaces isoleucine 2057 with threonine.
Molecular consequence: missense variant.
Genome position (GRCh38, 1-based): chr17:31,336,657, T>C. VCF-style: chr17-31336657-T-C. GRCh37 (hg19) VCF-style: chr17-29663675-T-C.
Other names: c.6107T>C, p.Ile2036Thr (NM_000267.4); short protein forms I2057T, I2036T.
Identifiers: ClinVar variation 1751649 (VCV001751649.2), dbSNP rs2151554335, ClinGen allele CA399011758.

ClinVar aggregate classification (germline): Uncertain significance (1 of 4 stars; one submission).

Conditions:
Cardiovascular phenotype. Identifiers: MedGen CN230736.
Hereditary cancer-predisposing syndrome. Also called: Hereditary Cancer Syndrome; Hereditary neoplastic syndrome; Neoplastic Syndromes, Hereditary; Tumor predisposition. Identifiers: Orphanet 140162, MedGen C0027672, MeSH D009386, MONDO:0015356.

Submission:

Ambry Genetics
Classification: Uncertain significance for Cardiovascular phenotype; Hereditary cancer-predisposing syndrome. Last evaluated: 2021-05-28. Review status: criteria provided, single submitter. Criteria: Ambry Variant Classification Scheme 2023. Collection method: clinical testing. Allele origin: germline.
Comment: The p.I2036T variant (also known as c.6107T>C), located in coding exon 41 of the NF1 gene, results from a T to C substitution at nucleotide position 6107. The isoleucine at codon 2036 is replaced by threonine, an amino acid with similar properties. This amino acid position is highly conserved in available vertebrate species. In addition, this alteration is predicted to be deleterious by in silico analysis. Since supporting evidence is limited at this time, the clinical significance of this alteration remains unclear.